The following is an entry in ClinVar:

NM_020702.5(MYORG):c.1487C>T (p.Pro496Leu)

Gene: MYORG (myogenesis regulating glycosidase; minus strand). Cytogenetic location: 9p13.3.
Variant type: single nucleotide variant.
Coding change: c.1487C>T on transcript NM_020702.5 (MANE Select); coding-DNA position 1487, C replaced by T.
Protein change: p.Pro496Leu; replaces proline 496 with leucine.
Molecular consequence: missense variant.
Genome position (GRCh38, 1-based): chr9:34,371,457, G>A on the plus strand (C>T on the coding strand, the complement: MYORG is on the minus strand). VCF-style: chr9-34371457-G-A. GRCh37 (hg19) VCF-style: chr9-34371455-G-A.
Other names: short protein forms P496L.
Identifiers: ClinVar variation 1681293 (VCV001681293.6), dbSNP rs2131878760, ClinGen allele CA373240996.

ClinVar aggregate classification (germline): Uncertain significance (1 of 4 stars; one submission).

Allele frequency attached by ClinVar (database versions not stated): gnomAD exomes below 0.00001.
gnomAD v4.1: 1 of 1,612,908 alleles (0.000062%); highest among the groups gnomAD compares: Middle Eastern, 0.016%; no homozygotes.

Submission:

Labcorp Genetics (formerly Invitae), Labcorp
Classification: Uncertain significance. Last evaluated: 2021-12-02. Review status: criteria provided, single submitter. Criteria: Invitae Variant Classification Sherloc (09022015). Collection method: clinical testing. Allele origin: germline.
Comment: This sequence change replaces proline, which is neutral and non-polar, with leucine, which is neutral and non-polar, at codon 496 of the KIAA1161 protein (p.Pro496Leu). This variant is not present in population databases (gnomAD no frequency). This missense change has been observed in individual(s) with basal ganglia calcification (PMID: 32211515). This variant is also known as c.1611C>T in MYORG. Algorithms developed to predict the effect of missense changes on protein structure and function are either unavailable or do not agree on the potential impact of this missense change (SIFT: "Tolerated"; PolyPhen-2: "Not Available"; Align-GVGD: "Class C0"). In summary, the available evidence is currently insufficient to determine the role of this variant in disease. Therefore, it has been classified as a Variant of Uncertain Significance.

Literature cited by the submitters: PubMed 32211515.